The following is an entry in ClinVar:

NM_002439.5(MSH3):c.2172C>A (p.Asp724Glu)

Gene: MSH3 (mutS homolog 3; plus strand). Cytogenetic location: 5q14.1.
Variant type: single nucleotide variant.
Coding change: c.2172C>A on transcript NM_002439.5 (MANE Select); coding-DNA position 2172, C replaced by A.
Protein change: p.Asp724Glu; replaces aspartic acid 724 with glutamic acid.
Molecular consequence: missense variant.
Genome position (GRCh38, 1-based): chr5:80,768,922, C>A. VCF-style: chr5-80768922-C-A. GRCh37 (hg19) VCF-style: chr5-80064741-C-A.
Other names: short protein forms D724E.
Identifiers: ClinVar variation 1787122 (VCV001787122.5), dbSNP rs541680738, ClinGen allele CA360279498.

ClinVar aggregate classification (germline): Uncertain significance. Review status: criteria provided, multiple submitters, no conflicts (2 of 4 stars). 2 submissions from 2 submitters: Uncertain significance (2). Last evaluated 2025-08-24.

Conditions:
Hereditary cancer-predisposing syndrome. Also called: Neoplastic Syndromes, Hereditary; Tumor predisposition; Hereditary Cancer Syndrome; Hereditary neoplastic syndrome. Identifiers: Orphanet 140162, MedGen C0027672, MeSH D009386, MONDO:0015356.

gnomAD v4.1: 1 of 1,612,310 alleles (0.000062%); highest among the groups gnomAD compares: Non-Finnish European, 0.000085%; no homozygotes.

Submissions (2):

Labcorp Genetics (formerly Invitae), Labcorp
Classification: Uncertain significance. Last evaluated: 2025-08-24. Review status: criteria provided, single submitter. Criteria: Invitae Variant Classification Sherloc (09022015). Collection method: clinical testing. Allele origin: germline.
Comment: This sequence change replaces aspartic acid, which is acidic and polar, with glutamic acid, which is acidic and polar, at codon 724 of the MSH3 protein (p.Asp724Glu). This variant is not present in population databases (gnomAD no frequency). This variant has not been reported in the literature in individuals affected with MSH3-related conditions. ClinVar contains an entry for this variant (Variation ID: 1787122). An algorithm developed to predict the effect of missense changes on protein structure and function outputs the following: PolyPhen-2: "Benign". The glutamic acid amino acid residue is found in multiple mammalian species, which suggests that this missense change does not adversely affect protein function. In summary, the available evidence is currently insufficient to determine the role of this variant in disease. Therefore, it has been classified as a Variant of Uncertain Significance.

Ambry Genetics
Classification: Uncertain significance for Hereditary cancer-predisposing syndrome. Last evaluated: 2020-01-03. Review status: criteria provided, single submitter. Criteria: Ambry Variant Classification Scheme 2023. Collection method: clinical testing. Allele origin: germline.
Comment: The p.D724E variant (also known as c.2172C>A), located in coding exon 15 of the MSH3 gene, results from a C to A substitution at nucleotide position 2172. The aspartic acid at codon 724 is replaced by glutamic acid, an amino acid with highly similar properties. This amino acid position is poorly conserved in available vertebrate species. In addition, this alteration is predicted to be tolerated by in silico analysis. Since supporting evidence is limited at this time, the clinical significance of this alteration remains unclear.